The following is an entry in ClinVar:

ClinVar aggregate classification (germline): Uncertain significance (1 of 4 stars; one submission).

Conditions:
Hereditary cancer-predisposing syndrome. Also called: Hereditary Cancer Syndrome; Hereditary neoplastic syndrome; Tumor predisposition; Neoplastic Syndromes, Hereditary. Identifiers: Orphanet 140162, MedGen C0027672, MeSH D009386, MONDO:0015356.

Submission:

Ambry Genetics
Classification: Uncertain significance for Hereditary cancer-predisposing syndrome. Last evaluated: 2021-09-22. Review status: criteria provided, single submitter. Criteria: Ambry Variant Classification Scheme 2023. Collection method: clinical testing. Allele origin: germline.
Comment: The p.L796Q variant (also known as c.2387T>A), located in coding exon 16 of the BRIP1 gene, results from a T to A substitution at nucleotide position 2387. The leucine at codon 796 is replaced by glutamine, an amino acid with dissimilar properties. This amino acid position is conserved. In addition, this alteration is predicted to be deleterious by in silico analysis. Since supporting evidence is limited at this time, the clinical significance of this alteration remains unclear.

NM_032043.3(BRIP1):c.2387T>A (p.Leu796Gln)

Gene: BRIP1 (BRCA1 interacting DNA helicase 1; minus strand). Cytogenetic location: 17q23.2.
Variant type: single nucleotide variant.
Coding change: c.2387T>A on transcript NM_032043.3 (MANE Select); coding-DNA position 2387, T replaced by A.
Protein change: p.Leu796Gln; replaces leucine 796 with glutamine.
Molecular consequence: missense variant.
Genome position (GRCh38, 1-based): chr17:61,716,056, A>T on the plus strand (T>A on the coding strand, the complement: BRIP1 is on the minus strand). VCF-style: chr17-61716056-A-T. GRCh37 (hg19) VCF-style: chr17-59793417-A-T.
Other names: short protein forms L796Q.
Identifiers: ClinVar variation 1790506 (VCV001790506.2), dbSNP rs2544698113, ClinGen allele CA400479836.